The following is an entry in ClinVar:

ClinVar aggregate classification (germline): Conflicting classifications of pathogenicity. Review status: criteria provided, conflicting classifications (1 of 4 stars). 2 submissions from 2 submitters: Uncertain significance (1); Likely benign (1). Last evaluated 2025-05-16.

Allele frequency attached by ClinVar (database versions not stated): gnomAD exomes 0.00002; ExAC 0.00003; gnomAD 0.00003; TOPMed 0.00003.
gnomAD v4.1: 39 of 1,595,456 alleles (0.0024%); highest among the groups gnomAD compares: Non-Finnish European, 0.0031%; no homozygotes.

Submissions (2):

Labcorp Genetics (formerly Invitae), Labcorp
Classification: Uncertain significance. Last evaluated: 2025-05-16. Review status: criteria provided, single submitter. Criteria: Invitae Variant Classification Sherloc (09022015). Collection method: clinical testing. Allele origin: germline.
Comment: This sequence change replaces leucine, which is neutral and non-polar, with isoleucine, which is neutral and non-polar, at codon 266 of the APOL1 protein (p.Leu266Ile). This variant is present in population databases (rs772138899, gnomAD 0.004%). This variant has not been reported in the literature in individuals affected with APOL1-related conditions. ClinVar contains an entry for this variant (Variation ID: 1357781). An algorithm developed to predict the effect of missense changes on protein structure and function outputs the following: PolyPhen-2: "Benign". The isoleucine amino acid residue is found in multiple mammalian species, which suggests that this missense change does not adversely affect protein function. In summary, the available evidence is currently insufficient to determine the role of this variant in disease. Therefore, it has been classified as a Variant of Uncertain Significance.

Ambry Genetics
Classification: Likely benign. Last evaluated: 2022-06-09. Review status: criteria provided, single submitter. Criteria: Ambry Variant Classification Scheme 2023. Collection method: clinical testing. Allele origin: germline.

NM_003661.4(APOL1):c.796C>A (p.Leu266Ile)

Gene: APOL1 (apolipoprotein L1; plus strand). Cytogenetic location: 22q12.3.
Variant type: single nucleotide variant.
Coding change: c.796C>A on transcript NM_003661.4 (MANE Select); coding-DNA position 796, C replaced by A.
Protein change: p.Leu266Ile; replaces leucine 266 with isoleucine.
Molecular consequence: missense variant.
Genome position (GRCh38, 1-based): chr22:36,265,632, C>A. VCF-style: chr22-36265632-C-A. GRCh37 (hg19) VCF-style: chr22-36661678-C-A.
Other names: c.796C>A, p.Leu266Ile (NM_001136540.2); c.742C>A, p.Leu248Ile (NM_001136541.2, NM_001362927.2); c.844C>A, p.Leu282Ile (NM_145343.3); c.796C>A (NM_003661.3); short protein forms L248I, L266I, L282I.
Identifiers: ClinVar variation 1357781 (VCV001357781.9), dbSNP rs772138899, ClinGen allele CA10208753.
Genomic context (GRCh38, chr22:36,265,632, plus strand): 5'-AAAAGCCTTGACAAATTGAAGGAGGTGAGGGAGTTTTTGGGTGAGAACATATCCAACTTT[C>A]TTTCCTTAGCTGGCAATACTTACCAACTCACACGAGGCATTGGGAAGGACATCCGTGCCC-3'
Protein context (NP_003652.2, residues 256-276): EFLGENISNF[Leu266Ile]SLAGNTYQLT